The following is an entry in ClinVar:

NM_012463.4(ATP6V0A2):c.118-7_118-3del

Gene: ATP6V0A2 (ATPase H+ transporting V0 subunit a2; plus strand). Cytogenetic location: 12q24.31.
Variant type: Deletion.
Coding change: c.118-7_118-3del on transcript NM_012463.4 (MANE Select); 7 bases into the intron before coding-DNA position 118 through 3 bases into the intron before coding-DNA position 118, 5 bases deleted (TTCTC; older notation c.118-7_118-3delTTCTC).
Molecular consequence: intron variant.
Genome position (GRCh38, 1-based): chr12:123,718,616-123,718,620, TTCTC deleted. VCF-style (leftmost placement, unchanged base first): chr12-123718615-TTTCTC-T. GRCh37 (hg19) VCF-style: chr12-124203162-TTTCTC-T.
Identifiers: ClinVar variation 594101 (VCV000594101.10), dbSNP rs777322469, ClinGen allele CA6861501.

ClinVar aggregate classification (germline): Conflicting classifications of pathogenicity. Review status: criteria provided, conflicting classifications (1 of 4 stars). 3 submissions from 3 submitters: Uncertain significance (2); Likely benign (1). Last evaluated 2023-03-23.

Conditions:
ALG9 congenital disorder of glycosylation (CDG1L). Also called: ALG9-CDG; CONGENITAL DISORDER OF GLYCOSYLATION, TYPE Il; CDG Il. Identifiers: Orphanet 79328, MedGen C2931006, MONDO:0012117, OMIM 608776.

Allele frequency attached by ClinVar (database versions not stated): ExAC 0.00006; gnomAD exomes 0.00006 and 0.00010; ESP Exome Variant Server 0.00008; TOPMed 0.00008; gnomAD 0.00012 and 0.00013.

Submissions (3):

GeneDx
Classification: Likely benign. Last evaluated: 2023-03-23. Review status: criteria provided, single submitter. Criteria: GeneDx Variant Classification Process June 2021. Collection method: clinical testing. Allele origin: germline. Affected: yes.
Comment: See Variant Classification Assertion Criteria.

Labcorp Genetics (formerly Invitae), Labcorp
Classification: Uncertain significance for ALG9 congenital disorder of glycosylation. Last evaluated: 2022-01-28. Review status: criteria provided, single submitter. Criteria: Invitae Variant Classification Sherloc (09022015). Collection method: clinical testing. Allele origin: germline.
Comment: This sequence change falls in intron 1 of the ATP6V0A2 gene. It does not directly change the encoded amino acid sequence of the ATP6V0A2 protein. It affects a nucleotide within the consensus splice site. This variant is present in population databases (rs777322469, gnomAD 0.009%). This variant has not been reported in the literature in individuals affected with ATP6V0A2-related conditions. ClinVar contains an entry for this variant (Variation ID: 594101). Variants that disrupt the consensus splice site are a relatively common cause of aberrant splicing (PMID: 17576681, 9536098). Algorithms developed to predict the effect of sequence changes on RNA splicing suggest that this variant is not likely to affect RNA splicing. In summary, the available evidence is currently insufficient to determine the role of this variant in disease. Therefore, it has been classified as a Variant of Uncertain Significance.

Eurofins Ntd Llc (ga)
Classification: Uncertain significance. Last evaluated: 2017-10-02. Review status: criteria provided, single submitter. Criteria: EGL Classification Definitions 2015. Collection method: clinical testing. Allele origin: germline. Observed: 1 variant allele, 1 heterozygote.

Literature cited by the submitters: PubMed 17576681 (cited by Labcorp Genetics (formerly Invitae), Labcorp); PubMed 9536098 (cited by Labcorp Genetics (formerly Invitae), Labcorp).